The following is an entry in ClinVar:

ClinVar aggregate classification (germline): Uncertain significance (1 of 4 stars; one submission).

Allele frequency attached by ClinVar (database versions not stated): TOPMed 0.00001.

Submission:

Labcorp Genetics (formerly Invitae), Labcorp
Classification: Uncertain significance. Last evaluated: 2022-07-06. Review status: criteria provided, single submitter. Criteria: Invitae Variant Classification Sherloc (09022015). Collection method: clinical testing. Allele origin: germline.
Comment: This sequence change replaces glutamic acid, which is acidic and polar, with lysine, which is basic and polar, at codon 909 of the ADAMTSL4 protein (p.Glu909Lys). This variant is not present in population databases (gnomAD no frequency). This variant has not been reported in the literature in individuals affected with ADAMTSL4-related conditions. Algorithms developed to predict the effect of missense changes on protein structure and function (SIFT, PolyPhen-2, Align-GVGD) all suggest that this variant is likely to be disruptive. In summary, the available evidence is currently insufficient to determine the role of this variant in disease. Therefore, it has been classified as a Variant of Uncertain Significance.

NM_019032.6(ADAMTSL4):c.2725G>A (p.Glu909Lys)

Gene: ADAMTSL4 (ADAMTS like 4; plus strand). Cytogenetic location: 1q21.2.
Variant type: single nucleotide variant.
Coding change: c.2725G>A on transcript NM_019032.6 (MANE Select); coding-DNA position 2725, G replaced by A.
Protein change: p.Glu909Lys; replaces glutamic acid 909 with lysine.
Molecular consequence: missense variant.
Genome position (GRCh38, 1-based): chr1:150,559,127, G>A. VCF-style: chr1-150559127-G-A. GRCh37 (hg19) VCF-style: chr1-150531603-G-A.
Other names: c.2608G>A, p.Glu870Lys (NM_001288607.2); c.2794G>A, p.Glu932Lys (NM_001288608.2); c.2725G>A, p.Glu909Lys (NM_001378596.1); short protein forms E932K, E870K, E909K.
Identifiers: ClinVar variation 1953368 (VCV001953368.2), dbSNP rs1672527399, ClinGen allele CA342316421.